The following is an entry in ClinVar:

NM_014639.4(SKIC3):c.2275C>T (p.Leu759Phe)

Gene: SKIC3 (SKI3 subunit of superkiller complex; minus strand). Cytogenetic location: 5q15.
Variant type: single nucleotide variant.
Coding change: c.2275C>T on transcript NM_014639.4 (MANE Select); coding-DNA position 2275, C replaced by T.
Protein change: p.Leu759Phe; replaces leucine 759 with phenylalanine.
Molecular consequence: missense variant.
Genome position (GRCh38, 1-based): chr5:95,517,162, G>A on the plus strand (C>T on the coding strand, the complement: SKIC3 is on the minus strand). VCF-style: chr5-95517162-G-A. GRCh37 (hg19) VCF-style: chr5-94852866-G-A.
Other names: short protein forms L759F.
Identifiers: ClinVar variation 733964 (VCV000733964.16), dbSNP rs145496449, ClinGen allele CA3347127.

ClinVar aggregate classification (germline): Conflicting classifications of pathogenicity. Review status: criteria provided, conflicting classifications (1 of 4 stars). 4 submissions from 4 submitters: Uncertain significance (1); Likely benign (1). 2 of the submissions do not count toward it. Last evaluated 2026-02-04.

Conditions:
SKIC3-related disorder. Also called: SKIC3-related condition.
Trichohepatoenteric syndrome 1 (THES1). Also called: DIARRHEA, FATAL INFANTILE, WITH TRICHORRHEXIS NODOSA. Identifiers: Orphanet 84064, MedGen C4551982, MONDO:0024541, OMIM 222470.

Allele frequency attached by ClinVar (database versions not stated): 1000 Genomes Project 30x 0.00109; gnomAD 0.00139 and 0.00143; TOPMed 0.00145; ESP Exome Variant Server 0.00146; gnomAD exomes 0.00013 and 0.00042; ExAC 0.00047; 1000 Genomes Project 0.00100.
gnomAD v4.1: 409 of 1,613,312 alleles (0.025%); highest among the groups gnomAD compares: African/African-American, 0.45%; 4 homozygotes.

Submissions (4):

Labcorp Genetics (formerly Invitae), Labcorp
Classification: Likely benign. Last evaluated: 2026-02-04. Review status: criteria provided, single submitter. Criteria: Invitae Variant Classification Sherloc (09022015). Collection method: clinical testing. Allele origin: germline.

GeneDx
Classification: Uncertain significance. Last evaluated: 2019-08-06. Review status: criteria provided, single submitter. Criteria: GeneDx Variant Classification Process June 2021. Collection method: clinical testing. Allele origin: germline. Affected: yes.
Comment: In silico analysis, which includes protein predictors and evolutionary conservation, supports that this variant does not alter protein structure/function; Has not been previously published as pathogenic or benign to our knowledge

Biochemical Molecular Genetic Laboratory, King Abdulaziz Medical City
Classification: Uncertain significance for Trichohepatoenteric syndrome 1. Last evaluated: 2019-08-25. Review status: no assertion criteria provided. Collection method: clinical testing. Allele origin: germline. Affected: yes. Not counted in ClinVar's aggregate classification.

PreventionGenetics, part of Exact Sciences
Classification: Likely benign for SKIC3-related condition. Last evaluated: 2019-07-08. Review status: no assertion criteria provided. Collection method: clinical testing. Allele origin: germline. Not counted in ClinVar's aggregate classification.
Comment: This variant is classified as likely benign based on ACMG/AMP sequence variant interpretation guidelines (Richards et al. 2015 PMID: 25741868, with internal and published modifications).